The following is an entry in ClinVar:

ClinVar aggregate classification (germline): Uncertain significance. Review status: criteria provided, single submitter (1 of 4 stars). 2 submissions from 2 submitters: Uncertain significance (1). 1 of the submissions does not count toward it. Last evaluated 2025-12-09.

Conditions:
ASXL1-related disorder. Also called: ASXL1-related disorders; ASXL1-related condition.

Allele frequency attached by ClinVar (database versions not stated): ExAC 0.00001; gnomAD exomes 0.00001; TOPMed 0.00004; gnomAD 0.00005; ESP Exome Variant Server 0.00008.
gnomAD v4.1: 17 of 1,613,596 alleles (0.0011%); highest among the groups gnomAD compares: African/African-American, 0.0067%; no homozygotes.

Submissions (2):

Labcorp Genetics (formerly Invitae), Labcorp
Classification: Uncertain significance. Last evaluated: 2025-12-09. Review status: criteria provided, single submitter. Criteria: Invitae Variant Classification Sherloc (09022015). Collection method: clinical testing. Allele origin: germline.
Comment: This sequence change replaces glycine, which is neutral and non-polar, with arginine, which is basic and polar, at codon 685 of the ASXL1 protein (p.Gly685Arg). This variant is present in population databases (rs369152088, gnomAD 0.006%). This variant has not been reported in the literature in individuals affected with ASXL1-related conditions. ClinVar contains an entry for this variant (Variation ID: 3055041). An algorithm developed to predict the effect of missense changes on protein structure and function outputs the following: PolyPhen-2: "Benign". The arginine amino acid residue is found in multiple mammalian species, which suggests that this missense change does not adversely affect protein function. In summary, the available evidence is currently insufficient to determine the role of this variant in disease. Therefore, it has been classified as a Variant of Uncertain Significance.

PreventionGenetics, part of Exact Sciences
Classification: Likely benign for ASXL1-related condition. Last evaluated: 2022-07-05. Review status: no assertion criteria provided. Collection method: clinical testing. Allele origin: germline. Not counted in ClinVar's aggregate classification.
Comment: This variant is classified as likely benign based on ACMG/AMP sequence variant interpretation guidelines (Richards et al. 2015 PMID: 25741868, with internal and published modifications).

NM_015338.6(ASXL1):c.2053G>A (p.Gly685Arg)

Gene: ASXL1 (ASXL transcriptional regulator 1; plus strand). Cytogenetic location: 20q11.21.
Variant type: single nucleotide variant.
Coding change: c.2053G>A on transcript NM_015338.6 (MANE Select); coding-DNA position 2053, G replaced by A.
Protein change: p.Gly685Arg; replaces glycine 685 with arginine.
Molecular consequence: missense variant.
Genome position (GRCh38, 1-based): chr20:32,434,765, G>A. VCF-style: chr20-32434765-G-A. GRCh37 (hg19) VCF-style: chr20-31022568-G-A.
Other names: c.1870G>A, p.Gly624Arg (NM_001363734.1); short protein forms G624R, G685R.
Identifiers: ClinVar variation 3055041 (VCV003055041.3), dbSNP rs369152088, ClinGen allele CA9808528.
Genomic context (GRCh38, chr20:32,434,765, plus strand): 5'-AGTGGTGATGGTGGTGAGGCCTGTGGCCACCCTGAGCCCAGGGGAGGCCCGAGCACCCCT[G>A]GAAAGTGTACGTCAGATCTACAGCGAACACAACTACTGCCGCCTTATCCTCTAAATGGGG-3'
Protein context (NP_056153.2, residues 675-695): PEPRGGPSTP[Gly685Arg]KCTSDLQRTQ